The following is an entry in ClinVar:

ClinVar aggregate classification (germline): Conflicting classifications of pathogenicity. Review status: criteria provided, conflicting classifications (1 of 4 stars). 4 submissions from 4 submitters: Uncertain significance (2); Benign (2). Last evaluated 2025-12-19.

Conditions:
KMT2D-related disorder. Also called: KMT2D-Related Disorders.
Kabuki syndrome 1 (KABUK1). Also called: KMT2D-Related Kabuki Syndrome. Identifiers: Orphanet 2322, MedGen CN030661, MONDO:0007843, OMIM 147920.
Choanal atresia-athelia-hypothyroidism-delayed puberty-short stature syndrome (BCAHH). Also called: BRANCHIAL ARCH ABNORMALITIES, CHOANAL ATRESIA, ATHELIA, HEARING LOSS, AND HYPOTHYROIDISM SYNDROME. Identifiers: Orphanet 589856, MedGen C5680310, MONDO:0035651, OMIM 620186.
Kabuki syndrome. Also called: Kabuki make-up syndrome; NIIKAWA-KUROKI SYNDROME. Identifiers: Orphanet 2322, MedGen C0796004, MONDO:0016512.

Allele frequency attached by ClinVar (database versions not stated): TOPMed 0.00003; ExAC 0.00004; gnomAD 0.00004 and 0.00005; gnomAD exomes 0.00004; 1000 Genomes Project 0.00020; 1000 Genomes Project 30x 0.00031.

Submissions (4):

Labcorp Genetics (formerly Invitae), Labcorp
Classification: Benign for Kabuki syndrome. Last evaluated: 2025-12-19. Review status: criteria provided, single submitter. Criteria: Invitae Variant Classification Sherloc (09022015). Collection method: clinical testing. Allele origin: germline.

PreventionGenetics, part of Exact Sciences
Classification: Benign for KMT2D-related condition. Last evaluated: 2025-04-24. Review status: criteria provided, single submitter. Criteria: ACMG Guidelines, 2015. Collection method: clinical testing. Allele origin: germline.
Comment: This variant is classified as benign based on ACMG/AMP sequence variant interpretation guidelines (Richards et al. 2015 PMID: 25741868, with internal and published modifications).

Fulgent Genetics
Classification: Uncertain significance for Kabuki syndrome 1; Choanal atresia-athelia-hypothyroidism-delayed puberty-short stature syndrome. Last evaluated: 2024-01-27. Review status: criteria provided, single submitter. Criteria: ACMG Guidelines, 2015. Collection method: clinical testing. Allele origin: germline.

GeneDx
Classification: Uncertain significance. Last evaluated: 2023-10-20. Review status: criteria provided, single submitter. Criteria: GeneDx Variant Classification Process June 2021. Collection method: clinical testing. Allele origin: germline. Affected: yes.
Comment: In silico analysis supports that this missense variant has a deleterious effect on protein structure/function; Has not been previously published as pathogenic or benign to our knowledge

NM_003482.4(KMT2D):c.7831C>T (p.Arg2611Cys)

Gene: KMT2D (lysine methyltransferase 2D; minus strand). Cytogenetic location: 12q13.12.
Variant type: single nucleotide variant.
Coding change: c.7831C>T on transcript NM_003482.4 (MANE Select); coding-DNA position 7831, C replaced by T.
Protein change: p.Arg2611Cys; replaces arginine 2611 with cysteine.
Molecular consequence: missense variant.
Genome position (GRCh38, 1-based): chr12:49,039,939, G>A on the plus strand (C>T on the coding strand, the complement: KMT2D is on the minus strand). VCF-style: chr12-49039939-G-A. GRCh37 (hg19) VCF-style: chr12-49433722-G-A.
Other names: short protein forms R2611C.
Identifiers: ClinVar variation 1401926 (VCV001401926.12), dbSNP rs572359740, ClinGen allele CA6546985.